The following is an entry in ClinVar:

ClinVar aggregate classification (germline): Likely benign. Review status: criteria provided, multiple submitters, no conflicts (2 of 4 stars). 2 submissions from 2 submitters: Likely benign (2). Last evaluated 2022-04-01.

Allele frequency attached by ClinVar (database versions not stated): TOPMed 0.00010; gnomAD 0.00014; ESP Exome Variant Server 0.00015; ExAC 0.00018.
gnomAD v4.1: 570 of 1,608,632 alleles (0.035%); highest among the groups gnomAD compares: Non-Finnish European, 0.045%; no homozygotes.

Submissions (2):

CeGaT Center for Human Genetics Tuebingen
Classification: Likely benign. Last evaluated: 2022-04-01. Review status: criteria provided, single submitter. Criteria: CeGaT Center For Human Genetics Tuebingen Variant Classification Criteria Version 2. Collection method: clinical testing. Allele origin: germline. Affected: yes. Observed: 1 variant allele.
Comment: CAPN9: BP4, BP7

Breakthrough Genomics
Classification: Likely benign. Review status: criteria provided, single submitter. Criteria: ACMG Guidelines, 2015. Collection method: not provided. Allele origin: germline. Inheritance: Unknown mechanism. Affected: yes.

NM_006615.3(CAPN9):c.303C>T (p.Ala101=)

Gene: CAPN9 (calpain 9; plus strand). Cytogenetic location: 1q42.2.
Variant type: single nucleotide variant.
Coding change: c.303C>T on transcript NM_006615.3 (MANE Select); coding-DNA position 303, C replaced by T.
Protein change: p.Ala101=; no amino-acid change (alanine 101 retained).
Molecular consequence: synonymous variant. On other transcripts: intron variant (1).
Genome position (GRCh38, 1-based): chr1:230,759,531, C>T. VCF-style: chr1-230759531-C-T. GRCh37 (hg19) VCF-style: chr1-230895277-C-T.
Other names: c.303C>T, p.Ala101= (NM_016452.3); c.214-3122C>T (NM_001319676.2).
Identifiers: ClinVar variation 2640069 (VCV002640069.25), dbSNP rs150220094, ClinGen allele CA1448550.
Genomic context (GRCh38, chr1:230,759,531, plus strand): 5'-AATAGCAATGAAAATTGTGATTTATGGCTTCCATTTTGCAGGAGACTGCTGGCTATTAGC[C>T]GCCATCGCCTCCCTTACGCTTAATCAAAAAGCACTGGCCAGAGTCATCCCCCAGGACCAA-3'
Protein context (NP_006606.1, residues 91-111): QGELGDCWLL[Ala101=]AIASLTLNQK